The following is an entry in ClinVar:

ClinVar aggregate classification (germline): Uncertain significance. Review status: criteria provided, multiple submitters, no conflicts (2 of 4 stars). 2 submissions from 2 submitters: Uncertain significance (2). Last evaluated 2026-02-11.

Conditions:
Hereditary cancer-predisposing syndrome. Also called: Tumor predisposition; Hereditary neoplastic syndrome; Hereditary Cancer Syndrome; Neoplastic Syndromes, Hereditary. Identifiers: Orphanet 140162, MedGen C0027672, MeSH D009386, MONDO:0015356.

Allele frequency attached by ClinVar (database versions not stated): gnomAD 0.00001; gnomAD exomes below 0.00001; TOPMed 0.00001.
gnomAD v4.1: 3 of 1,611,362 alleles (0.00019%); highest among the groups gnomAD compares: African/African-American, 0.004%; no homozygotes.

Submissions (2):

Ambry Genetics
Classification: Uncertain significance for Hereditary cancer-predisposing syndrome. Last evaluated: 2026-02-11. Review status: criteria provided, single submitter. Criteria: Ambry Variant Classification Scheme 2023. Collection method: clinical testing. Allele origin: germline.
Comment: The c.3164+4T>C intronic variant results from a T to C substitution 4 nucleotides after coding exon 20 in the RAD50 gene. This nucleotide position is not well conserved in available vertebrate species. In silico splice site analysis predicts that this alteration will not have any significant effect on splicing. Based on the available evidence, the clinical significance of this variant remains unclear.

Labcorp Genetics (formerly Invitae), Labcorp
Classification: Uncertain significance for Hereditary cancer-predisposing syndrome. Last evaluated: 2022-12-25. Review status: criteria provided, single submitter. Criteria: Invitae Variant Classification Sherloc (09022015). Collection method: clinical testing. Allele origin: germline.
Comment: This sequence change falls in intron 20 of the RAD50 gene. It does not directly change the encoded amino acid sequence of the RAD50 protein. It affects a nucleotide within the consensus splice site. In summary, the available evidence is currently insufficient to determine the role of this variant in disease. Therefore, it has been classified as a Variant of Uncertain Significance. Variants that disrupt the consensus splice site are a relatively common cause of aberrant splicing (PMID: 17576681, 9536098). Algorithms developed to predict the effect of sequence changes on RNA splicing suggest that this variant is not likely to affect RNA splicing. ClinVar contains an entry for this variant (Variation ID: 240233). This variant has not been reported in the literature in individuals affected with RAD50-related conditions. This variant is not present in population databases (gnomAD no frequency).

Literature cited by the submitters: PubMed 17576681 (cited by Labcorp Genetics (formerly Invitae), Labcorp); PubMed 9536098 (cited by Labcorp Genetics (formerly Invitae), Labcorp).

NM_005732.4(RAD50):c.3164+4T>C

Gene: RAD50 (RAD50 double strand break repair protein; plus strand). Cytogenetic location: 5q31.1.
Variant type: single nucleotide variant.
Coding change: c.3164+4T>C on transcript NM_005732.4 (MANE Select); 4 bases into the intron after coding-DNA position 3164, T replaced by C.
Molecular consequence: intron variant.
Genome position (GRCh38, 1-based): chr5:132,616,134, T>C. VCF-style: chr5-132616134-T-C. GRCh37 (hg19) VCF-style: chr5-131951826-T-C.
Identifiers: ClinVar variation 240233 (VCV000240233.14), dbSNP rs878854796, ClinGen allele CA10582388.